The following is an entry in ClinVar:

ClinVar aggregate classification (germline): Uncertain significance (1 of 4 stars; one submission).

Conditions:
Inborn genetic diseases. Identifiers: MedGen C0950123, MeSH D030342.

Submission:

Ambry Genetics
Classification: Uncertain significance for Inborn genetic diseases. Last evaluated: 2023-03-29. Review status: criteria provided, single submitter. Criteria: Ambry Variant Classification Scheme 2023. Collection method: clinical testing. Allele origin: germline.
Comment: The p.M278I variant (also known as c.834G>C), located in coding exon 8 of the RAD51 gene, results from a G to C substitution at nucleotide position 834. The methionine at codon 278 is replaced by isoleucine, an amino acid with highly similar properties. This amino acid position is conserved. In addition, the in silico prediction for this alteration is inconclusive. Since supporting evidence is limited at this time, the clinical significance of this alteration remains unclear.

NM_002875.5(RAD51):c.834G>C (p.Met278Ile)

Gene: RAD51 (RAD51 recombinase; plus strand). Cytogenetic location: 15q15.1.
Variant type: single nucleotide variant.
Coding change: c.834G>C on transcript NM_002875.5 (MANE Select); coding-DNA position 834, G replaced by C.
Protein change: p.Met278Ile; replaces methionine 278 with isoleucine.
Molecular consequence: missense variant. On other transcripts: intron variant (1).
Genome position (GRCh38, 1-based): chr15:40,729,912, G>C. VCF-style: chr15-40729912-G-C. GRCh37 (hg19) VCF-style: chr15-41022110-G-C.
Other names: c.837G>C, p.Met279Ile (NM_001164269.2, NM_133487.4); c.774+278G>C (NM_001164270.2); short protein forms M278I, M279I.
Identifiers: ClinVar variation 2562105 (VCV002562105.2), dbSNP rs2141883528, ClinGen allele CA391759911.